The following is an entry in ClinVar:

NM_000136.3(FANCC):c.1290C>T (p.Tyr430=)

Genes: AOPEP (aminopeptidase O (putative); plus strand), FANCC (FA complementation group C; minus strand). Cytogenetic location: 9q22.32.
Variant type: single nucleotide variant.
Coding change: c.1290C>T on transcript NM_000136.3 (MANE Select); coding-DNA position 1290, C replaced by T.
Protein change: p.Tyr430=; no amino-acid change (tyrosine 430 retained).
Molecular consequence: synonymous variant.
Genome position (GRCh38, 1-based): chr9:95,111,502, G>A on the plus strand (C>T on the coding strand, the complement: FANCC is on the minus strand). VCF-style: chr9-95111502-G-A. GRCh37 (hg19) VCF-style: chr9-97873784-G-A.
Other names: c.1290C>T, p.Tyr430= (NM_001243743.2, NM_001243744.2).
Identifiers: ClinVar variation 220495 (VCV000220495.22), dbSNP rs766105286, ClinGen allele CA350781.

ClinVar aggregate classification (germline): Benign/Likely benign. Review status: criteria provided, multiple submitters, no conflicts (2 of 4 stars). 5 submissions from 5 submitters: Benign (1); Likely benign (3). 1 of the submissions does not count toward it. Last evaluated 2026-01-14.

Conditions:
Fanconi anemia (FA). Also called: Fanconi's anemia. Identifiers: Orphanet 84, MedGen C0015625, MeSH D005199, MONDO:0019391.
Hereditary cancer-predisposing syndrome. Also called: Tumor predisposition; Neoplastic Syndromes, Hereditary; Hereditary Cancer Syndrome; Hereditary neoplastic syndrome. Identifiers: Orphanet 140162, MedGen C0027672, MeSH D009386, MONDO:0015356.

Allele frequency attached by ClinVar (database versions not stated): TOPMed 0.00004; gnomAD exomes 0.00005 and 0.00010; gnomAD 0.00010 and 0.00011; ExAC 0.00013.
gnomAD v4.1: 90 of 1,613,880 alleles (0.0056%); highest among the groups gnomAD compares: East Asian, 0.0089%; no homozygotes.

Submissions (5):

Labcorp Genetics (formerly Invitae), Labcorp
Classification: Likely benign for Fanconi anemia. Last evaluated: 2026-01-14. Review status: criteria provided, single submitter. Criteria: Invitae Variant Classification Sherloc (09022015). Collection method: clinical testing. Allele origin: germline.

Blueprint Genetics
Classification: Likely benign. Last evaluated: 2023-11-02. Review status: criteria provided, single submitter. Criteria: ACMG Guidelines, 2015. Collection method: clinical testing. Allele origin: germline.

Ambry Genetics
Classification: Likely benign for Hereditary cancer-predisposing syndrome. Last evaluated: 2017-12-01. Review status: criteria provided, single submitter. Criteria: Ambry Variant Classification Scheme 2023. Collection method: clinical testing. Allele origin: germline.

GeneDx
Classification: Benign. Last evaluated: 2015-09-11. Review status: criteria provided, single submitter. Criteria: GeneDx Variant Classification (06012015). Collection method: clinical testing. Allele origin: germline. Affected: yes.
Comment: This variant is considered likely benign or benign based on one or more of the following criteria: it is a conservative change, it occurs at a poorly conserved position in the protein, it is predicted to be benign by multiple in silico algorithms, and/or has population frequency not consistent with disease.

Natera, Inc.
Classification: Likely benign for Fanconi anemia. Last evaluated: 2018-06-05. Review status: no assertion criteria provided. Collection method: clinical testing. Allele origin: germline. Not counted in ClinVar's aggregate classification.